The following is an entry in ClinVar:

ClinVar aggregate classification (germline): Likely benign. Review status: criteria provided, single submitter (1 of 4 stars). 2 submissions from 2 submitters: Likely benign (1). 1 of the submissions does not count toward it. Last evaluated 2024-12-05.

Conditions:
ERCC6-related disorder. Also called: ERCC6-related condition; ERCC6-related disorders. Identifiers: MedGen CN239385.

Submissions (2):

Labcorp Genetics (formerly Invitae), Labcorp
Classification: Likely benign. Last evaluated: 2024-12-05. Review status: criteria provided, single submitter. Criteria: Invitae Variant Classification Sherloc (09022015). Collection method: clinical testing. Allele origin: germline.

PreventionGenetics, part of Exact Sciences
Classification: Likely benign for ERCC6-related condition. Last evaluated: 2020-03-17. Review status: no assertion criteria provided. Collection method: clinical testing. Allele origin: germline. Not counted in ClinVar's aggregate classification.
Comment: This variant is classified as likely benign based on ACMG/AMP sequence variant interpretation guidelines (Richards et al. 2015 PMID: 25741868, with internal and published modifications).

NM_000124.4(ERCC6):c.1284A>G (p.Pro428=)

Genes: ERCC6 (ERCC excision repair 6, chromatin remodeling factor; minus strand), PGBD3 (piggyBac transposable element derived 3; minus strand). Cytogenetic location: 10q11.23.
Variant type: single nucleotide variant.
Coding change: c.1284A>G on transcript NM_000124.4 (MANE Select); coding-DNA position 1284, A replaced by G.
Protein change: p.Pro428=; no amino-acid change (proline 428 retained).
Molecular consequence: synonymous variant. On other transcripts: 5 prime UTR variant (1).
Genome position (GRCh38, 1-based): chr10:49,524,146, T>C on the plus strand (A>G on the coding strand, the complement: ERCC6 is on the minus strand). VCF-style: chr10-49524146-T-C. GRCh37 (hg19) VCF-style: chr10-50732192-T-C.
Other names: c.1284A>G, p.Pro428= (NM_001277058.2, NM_001277059.2, NM_001346440.2); c.-121A>G (NM_170753.3).
Identifiers: ClinVar variation 3047644 (VCV003047644.4), dbSNP rs1004526228, ClinGen allele CA206620191.
Genomic context (GRCh38, chr10:49,524,146, plus strand): 5'-TTTCCGACCTCCTCCTCCTCCTTCTCCTACAGAAGCAGCTTCAGCTTCTTCCCCAGAACT[T>C]GGGAAAAAGTCATCATCAATCTCCTGCACTGGCACTTTCTTCTGCCGTTTCCCGCCCTTG-3'
Protein context (NP_000115.1, residues 418-438): PVQEIDDDFF[Pro428=]SSGEEAEAAS